The following is an entry in ClinVar:

ClinVar aggregate classification (germline): Uncertain significance. Review status: criteria provided, multiple submitters, no conflicts (2 of 4 stars). 3 submissions from 3 submitters: Uncertain significance (3). Last evaluated 2025-10-23.

Conditions:
Cardiovascular phenotype. Identifiers: MedGen CN230736.
Hypertrophic cardiomyopathy 20. Identifiers: MedGen C3151267, MONDO:0013477, OMIM 613876.
Dilated cardiomyopathy 1CC (CMD1CC). Identifiers: Orphanet 154, MedGen C2751084, MONDO:0013147, OMIM 613122.

Allele frequency attached by ClinVar (database versions not stated): gnomAD 0.00001; TOPMed 0.00002; ExAC 0.00005.
gnomAD v4.1: 69 of 1,613,598 alleles (0.0043%); highest among the groups gnomAD compares: East Asian, 0.013%; no homozygotes.

Submissions (3):

GeneDx
Classification: Uncertain significance. Last evaluated: 2025-10-23. Review status: criteria provided, single submitter. Criteria: GeneDx Variant Classification Process June 2021. Collection method: clinical testing. Allele origin: germline. Affected: yes.
Comment: Has been reported in cis with p.(R196C) in patients with DCM who also harbored variants in other genes (PMID: 28333919); In silico analysis suggests that this missense variant does not alter protein structure/function; This variant is associated with the following publications: (PMID: 28333919)

Labcorp Genetics (formerly Invitae), Labcorp
Classification: Uncertain significance for Dilated cardiomyopathy 1CC; Hypertrophic cardiomyopathy 20. Last evaluated: 2025-08-13. Review status: criteria provided, single submitter. Criteria: Invitae Variant Classification Sherloc (09022015). Collection method: clinical testing. Allele origin: germline.
Comment: This sequence change replaces isoleucine, which is neutral and non-polar, with threonine, which is neutral and polar, at codon 547 of the NEXN protein (p.Ile547Thr). This variant is present in population databases (rs753636624, gnomAD 0.02%). This missense change has been observed in individual(s) with dilated cardiomyopathy (PMID: 28333919). This variant is also known as p.Ile483Thr. ClinVar contains an entry for this variant (Variation ID: 201944). Invitae Evidence Modeling of protein sequence and biophysical properties (such as structural, functional, and spatial information, amino acid conservation, physicochemical variation, residue mobility, and thermodynamic stability) has been performed for this missense variant. However, the output from this modeling did not meet the statistical confidence thresholds required to predict the impact of this variant on NEXN protein function. In summary, the available evidence is currently insufficient to determine the role of this variant in disease. Therefore, it has been classified as a Variant of Uncertain Significance.

Ambry Genetics
Classification: Uncertain significance for Cardiovascular phenotype. Last evaluated: 2024-04-16. Review status: criteria provided, single submitter. Criteria: Ambry Variant Classification Scheme 2023. Collection method: clinical testing. Allele origin: germline.
Comment: The p.I547T variant (also known as c.1640T>C), located in coding exon 11 of the NEXN gene, results from a T to C substitution at nucleotide position 1640. The isoleucine at codon 547 is replaced by threonine, an amino acid with similar properties. This variant was reported (as NM_001172309.1:c.1448T>C, p.Ile483Thr) in an individual with dilated cardiomyopathy and atrial fibrillation who also had additional variants in cardiac-related genes (Bagnall RD et al. Genet. Med., 2017 10;19:1127-1133). This amino acid position is highly conserved in available vertebrate species. In addition, the in silico prediction for this alteration is inconclusive. Based on the available evidence, the clinical significance of this variant remains unclear.

Literature cited by the submitters: PubMed 28333919 (cited by Labcorp Genetics (formerly Invitae), Labcorp and Ambry Genetics).

NM_144573.4(NEXN):c.1640T>C (p.Ile547Thr)

Gene: NEXN (nexilin F-actin binding protein; plus strand). Cytogenetic location: 1p31.1.
Variant type: single nucleotide variant.
Coding change: c.1640T>C on transcript NM_144573.4 (MANE Select); coding-DNA position 1640, T replaced by C.
Protein change: p.Ile547Thr; replaces isoleucine 547 with threonine.
Molecular consequence: missense variant.
Genome position (GRCh38, 1-based): chr1:77,942,189, T>C. VCF-style: chr1-77942189-T-C. GRCh37 (hg19) VCF-style: chr1-78407874-T-C.
Other names: p.I547T:ATT>ACT; c.1448T>C, p.Ile483Thr (NM_001172309.2); short protein forms I547T, I483T.
Identifiers: ClinVar variation 201944 (VCV000201944.17), dbSNP rs753636624, ClinGen allele CA335466.
Genomic context (GRCh38, chr1:77,942,189, plus strand): 5'-AAGAACAAAGAAGAATTGAAGAACAAAAGTTACTACGCATGCAGTTTGAACAAAGGGAAA[T>C]TGATGCAGCACTACAAAAGGTACCAGGCTTATGTATCCTTTATTTTCCAAAGATGCCCTC-3'
Protein context (NP_653174.3, residues 537-557): LLRMQFEQRE[Ile547Thr]DAALQKKREE